The following is an entry in ClinVar:

ClinVar aggregate classification (germline): Uncertain significance (1 of 4 stars; one submission).

Allele frequency attached by ClinVar (database versions not stated): gnomAD exomes below 0.00001; gnomAD 0.00001.
gnomAD v4.1: 3 of 1,614,050 alleles (0.00019%); highest among the groups gnomAD compares: Admixed American, 0.0033%; no homozygotes.

Submission:

Labcorp Genetics (formerly Invitae), Labcorp
Classification: Uncertain significance. Last evaluated: 2024-11-05. Review status: criteria provided, single submitter. Criteria: Invitae Variant Classification Sherloc (09022015). Collection method: clinical testing. Allele origin: germline.
Comment: This sequence change replaces glutamic acid, which is acidic and polar, with lysine, which is basic and polar, at codon 442 of the CNGB1 protein (p.Glu442Lys). This variant is not present in population databases (gnomAD no frequency). This variant has not been reported in the literature in individuals affected with CNGB1-related conditions. ClinVar contains an entry for this variant (Variation ID: 1972708). Invitae Evidence Modeling of protein sequence and biophysical properties (such as structural, functional, and spatial information, amino acid conservation, physicochemical variation, residue mobility, and thermodynamic stability) indicates that this missense variant is not expected to disrupt CNGB1 protein function with a negative predictive value of 95%. In summary, the available evidence is currently insufficient to determine the role of this variant in disease. Therefore, it has been classified as a Variant of Uncertain Significance.

NM_001297.5(CNGB1):c.1324G>A (p.Glu442Lys)

Gene: CNGB1 (cyclic nucleotide gated channel subunit beta 1; minus strand). Cytogenetic location: 16q21.
Variant type: single nucleotide variant.
Coding change: c.1324G>A on transcript NM_001297.5 (MANE Select); coding-DNA position 1324, G replaced by A.
Protein change: p.Glu442Lys; replaces glutamic acid 442 with lysine.
Molecular consequence: missense variant.
Genome position (GRCh38, 1-based): chr16:57,939,478, C>T on the plus strand (G>A on the coding strand, the complement: CNGB1 is on the minus strand). VCF-style: chr16-57939478-C-T. GRCh37 (hg19) VCF-style: chr16-57973382-C-T.
Other names: c.1306G>A, p.Glu436Lys (NM_001286130.2); short protein forms E442K, E436K.
Identifiers: ClinVar variation 1972708 (VCV001972708.5), dbSNP rs1744654434, ClinGen allele CA396072636.
Genomic context (GRCh38, chr16:57,939,478, plus strand): 5'-CACCACACCTACCTCCTGAACTGGCAGCCTCGGCCTCAGCCTCAGGCTCCTCCTTGGTCT[C>T]CGCCCAGTCCTGGGGCTCCTTTTCAGCCTCCTCTTCAGCCACCTCCTCGGCCTCCTCCTT-3'
Protein context (NP_001288.3, residues 432-452): EAEKEPQDWA[Glu442Lys]TKEEPEAEAE